The following is an entry in ClinVar:

ClinVar aggregate classification (germline): Pathogenic. Review status: reviewed by expert panel (3 of 4 stars). 17 submissions from 17 submitters: Pathogenic (1). 16 of the submissions do not count toward it. Last evaluated 2021-11-09.

Conditions:
ACADVL-related disorder. Also called: ACADVL-related condition.
Inborn genetic diseases. Identifiers: MedGen C0950123, MeSH D030342.
Very long chain acyl-CoA dehydrogenase deficiency (ACADVLD). Also called: Very Long-Chain Acyl-Coenzyme A Dehydrogenase Deficiency; VLCAD Deficiency. Identifiers: Orphanet 26793, MedGen C3887523, MONDO:0008723, OMIM 201475.

Submissions 1 to 10 of 17:

ClinGen ACADVL Variant Curation Expert Panel, ClinGen
Classification: Pathogenic for Very long chain acyl-CoA dehydrogenase deficiency. Last evaluated: 2021-11-09. Review status: reviewed by expert panel. Criteria: clingen acadvl acmg specifications v1. Collection method: curation. Allele origin: germline. Inheritance: Autosomal recessive inheritance.
Comment: The NM_000018.4(ACADVL): c.343del (p.Glu115Lysfs) variant in ACADVL is a frameshift predicted to cause a premature stop codon in biologically relevant exon 6/20 leading to nonsense mediated decay in a gene in which loss-of-function is an established disease mechanism (PVS1: PMIDs 9973285, 11590124). The highest population minor allele frequency in gnomAD v2.1.1 is 0.00004 in African population, which is lower than the ClinGen ACADVL Variant Curation Expert Panel threshold (<0.001) for PM2_Supporting, meeting this criterion (PM2_Supporting). To our knowledge, functional assays have not been reported for this variant, however it has been reported in the literature in at least four individuals with VLCADD (PP4: PMID: 7479827, 31031081, 32778825). In summary, this variant meets the criteria to be classified as pathogenic for autosomal recessive very long chain acyl-CoA dehydrogenase (VLCAD) deficiency based on the ACMG/AMP criteria applied, as specified by the ClinGen ACADVL Variant Curation Expert Panel: PVS1, PM2_supporting, PP4.)

Labcorp Genetics (formerly Invitae), Labcorp
Classification: Pathogenic for Very long chain acyl-CoA dehydrogenase deficiency. Last evaluated: 2026-02-01. Review status: criteria provided, single submitter. Criteria: Invitae Variant Classification Sherloc (09022015). Collection method: clinical testing. Allele origin: germline. Not counted in ClinVar's aggregate classification.
Comment: This sequence change creates a premature translational stop signal (p.Glu115Lysfs*2) in the ACADVL gene. It is expected to result in an absent or disrupted protein product. Loss-of-function variants in ACADVL are known to be pathogenic (PMID: 9973285, 11590124). This variant is present in population databases (rs387906250, gnomAD 0.004%). This premature translational stop signal has been observed in individuals with very long chain acyl-CoA dehydrogenase (PMID: 23867825, 27246109). ClinVar contains an entry for this variant (Variation ID: 1624). Algorithms developed to predict the effect of sequence changes on RNA splicing suggest that this variant may disrupt the consensus splice site. For these reasons, this variant has been classified as Pathogenic.

PreventionGenetics, part of Exact Sciences
Classification: Pathogenic for ACADVL-related condition. Last evaluated: 2025-04-29. Review status: criteria provided, single submitter. Criteria: ACMG Guidelines, 2015. Collection method: clinical testing. Allele origin: germline. Not counted in ClinVar's aggregate classification.
Comment: The ACADVL c.343delG variant is predicted to result in a frameshift and premature protein termination (p.Glu115Lysfs*2). This variant has been reported along with a second ACADVL variant in patients with very long chain acyl-CoA dehydrogenase deficiency (VLCADD) (for example, see Evans et al. 2016. PubMed ID: 27246109; Gillingham et al. 2017. PubMed ID: 28871440; Rovelli et al. 2019. PubMed ID: 31031081). It has been interpreted as pathogenic in ClinVar by multiple outside laboratories and the ClinGen ACADVL Variant Curation Expert Panel. This variant is reported in 0.0040% of alleles in individuals of African descent in gnomAD. Frameshift variants in ACADVL are expected to be pathogenic. Taken together, this variant is interpreted as pathogenic.

Victorian Clinical Genetics Services, Murdoch Childrens Research Institute
Classification: Pathogenic for Very long chain acyl-CoA dehydrogenase deficiency. Last evaluated: 2024-12-05. Review status: criteria provided, single submitter. Criteria: ACMG Guidelines, 2015. Collection method: clinical testing. Allele origin: germline. Affected: no. Not counted in ClinVar's aggregate classification.
Comment: This variant is classified as Pathogenic. Evidence in support of pathogenic classification: Variant is predicted to cause nonsense-mediated decay (NMD) and loss of protein (premature termination codon is located at least 54 nucleotides upstream of the final exon-exon junction); Variant is present in gnomAD <0.01 for a recessive condition (v4: 50 heterozygote(s), 0 homozygote(s)); This variant has strong previous evidence of pathogenicity in unrelated individuals. This variant has been classified as pathogenic by the ClinGen ACADVL Variant Curation Expert Panel in ClinVar; Other NMD-predicted variant(s) comparable to the one identified in this case have very strong previous evidence for pathogenicity (DECIPHER). Additional information: This variant is heterozygous; This gene is associated with autosomal recessive disease; Loss of function is a known mechanism of disease in this gene and is associated with VLCAD deficiency (MIM#201475); Variants in this gene are known to have variable expressivity. Clinical severity is dependant on how much residual enzyme activity remains (PMID: 31031081).

Natera, Inc.
Classification: Pathogenic for Very long chain acyl-CoA dehydrogenase deficiency. Last evaluated: 2024-12-01. Review status: criteria provided, single submitter. Criteria: Natera Variant Classification Schema (03/2026). Collection method: clinical testing. Allele origin: germline. Not counted in ClinVar's aggregate classification.
Comment: The c.343delG variant in ACADVL is a frameshift variant predicted to shift the reading frame beginning at codon 115 and leads to a stop codon 2 codons downstream. This variant is expected to result in nonsense mediated decay, truncation, or a dysfunctional protein product. This variant is rare in the general population with a frequency below the threshold expected for the associated phenotype(s). This variant has been observed in one or more individuals affected with the associated recessive disease, as either homozygous or compound heterozygous with a second variant (PMID: 34437764, 27246109, 28871440). Given the available evidence, this variant is classified as Pathogenic.

Blueprint Genetics
Classification: Pathogenic for ACADVL-related disorders. Last evaluated: 2024-06-26. Review status: criteria provided, single submitter. Criteria: ACMG Guidelines, 2015. Collection method: clinical testing. Allele origin: germline. Affected: yes. Observed: 5 variant alleles. Not counted in ClinVar's aggregate classification.

Revvity Omics, Revvity
Classification: Pathogenic for Very long chain acyl-CoA dehydrogenase deficiency. Last evaluated: 2024-06-15. Review status: criteria provided, single submitter. Criteria: ACMG Guidelines, 2015. Collection method: clinical testing. Allele origin: germline. Not counted in ClinVar's aggregate classification.

Baylor Genetics
Classification: Pathogenic for Very long chain acyl-CoA dehydrogenase deficiency. Last evaluated: 2024-03-06. Review status: criteria provided, single submitter. Criteria: ACMG Guidelines, 2015. Collection method: clinical testing. Allele origin: unknown. Not counted in ClinVar's aggregate classification.

Fulgent Genetics
Classification: Pathogenic for Very long chain acyl-CoA dehydrogenase deficiency. Last evaluated: 2024-03-06. Review status: criteria provided, single submitter. Criteria: ACMG Guidelines, 2015. Collection method: clinical testing. Allele origin: germline. Not counted in ClinVar's aggregate classification.

ARUP Laboratories, Molecular Genetics and Genomics, ARUP Laboratories
Classification: Pathogenic for Very long chain acyl-CoA dehydrogenase deficiency. Last evaluated: 2023-12-11. Review status: criteria provided, single submitter. Criteria: ARUP Molecular Germline Variant Investigation Process 2024. Collection method: clinical testing. Allele origin: germline. Not counted in ClinVar's aggregate classification.
Comment: The ACADVL c.343del; p.Glu115LysfsTer2 variant (rs387906249) is reported in both homozygous and compound heterozygous individuals with VLCAD deficiency (Olsson 2022, Rovelli 2019, Strauss 1995). This variant is also classified as pathogenic by an expert panel (ClinVar Variation ID: 1624). It is only found on four alleles in the Genome Aggregation Database, indicating it is not a common polymorphism. This variant causes a frameshift by deleting a single nucleotide, so it is predicted to result in a truncated protein or mRNA subject to nonsense-mediated decay. Based on available information, this variant is considered to be pathogenic. References: Olsson D et al. Very long-chain acyl-CoA dehydrogenase deficiency in a Swedish cohort: Clinical symptoms, newborn screening, enzyme activity, and genetics. JIMD Rep. 2022 Jan 9;63(2):181-190. PMID: 35281659. Rovelli V et al. Clinical and biochemical outcome of patients with very long-chain acyl-CoA dehydrogenase deficiency. Mol Genet Metab. 2019 May;127(1):64-73. PMID: 31031081. Strauss AW et al. Molecular basis of human mitochondrial very-long-chain acyl-CoA dehydrogenase deficiency causing cardiomyopathy and sudden death in childhood. Proc Natl Acad Sci U S A. 1995 Nov 7;92(23):10496-500. PMID: 7479827.

NM_000018.4(ACADVL):c.343del

Gene: ACADVL (acyl-CoA dehydrogenase very long chain; plus strand). Cytogenetic location: 17p13.1.
Variant type: Deletion.
Coding change: c.343del on transcript NM_000018.4 (MANE Select); coding-DNA position 343, one base deleted (G; older notation c.343delG).
Molecular consequence: splice acceptor variant.
Genome position (GRCh38, 1-based): chr17:7,220,924, G deleted; the last of 2 consecutive G bases (chr17:7,220,923-7,220,924); deleting either gives the same sequence. VCF-style (leftmost placement, unchanged base first): chr17-7220922-AG-A. GRCh37 (hg19) VCF-style: chr17-7124241-AG-A.
Other names: ACADVL, 135-BP DEL; NM_000018.2(ACADVL):c.343delG; p.Glu115Lysfs; c.343delG (NM_000018.3, NM_000018.4).
Identifiers: ClinVar variation 1624 (VCV000001624.40), dbSNP rs387906249, ClinGen allele CA220206.
Genomic context (GRCh38, chr17:7,220,922, plus strand): 5'-GAGGTGTTTGGAGATGTTAAGCTCAAAAGGAGCCTGGATGTGGGATCCTGTGCCTTCCCC[AG>A]GAAGTGAACGATCCCGCCAAGAATGACGCTCTGGAGATGGTGGAGGAGACCACTTGGCAG-3'